The following is an entry in ClinVar:

ClinVar aggregate classification (germline): Uncertain significance (1 of 4 stars; one submission).

Conditions:
Landau-Kleffner syndrome (FESD). Also called: EPILEPSY, FOCAL, WITH SPEECH DISORDER AND WITH OR WITHOUT MENTAL RETARDATION; APHASIA, ACQUIRED, WITH EPILEPSY. Identifiers: Orphanet 1945, Orphanet 725, Orphanet 98818, MedGen C0282512, MONDO:0009509, OMIM 245570.

Submission:

Labcorp Genetics (formerly Invitae), Labcorp
Classification: Uncertain significance for Landau-Kleffner syndrome. Last evaluated: 2022-10-19. Review status: criteria provided, single submitter. Criteria: Invitae Variant Classification Sherloc (09022015). Collection method: clinical testing. Allele origin: germline.
Comment: This sequence change replaces arginine, which is basic and polar, with threonine, which is neutral and polar, at codon 360 of the GRIN2A protein (p.Arg360Thr). This variant is not present in population databases (gnomAD no frequency). This variant has not been reported in the literature in individuals affected with GRIN2A-related conditions. Advanced modeling of protein sequence and biophysical properties (such as structural, functional, and spatial information, amino acid conservation, physicochemical variation, residue mobility, and thermodynamic stability) performed at Invitae indicates that this missense variant is not expected to disrupt GRIN2A protein function. In summary, the available evidence is currently insufficient to determine the role of this variant in disease. Therefore, it has been classified as a Variant of Uncertain Significance.

NM_001134407.3(GRIN2A):c.1079G>C (p.Arg360Thr)

Gene: GRIN2A (glutamate ionotropic receptor NMDA type subunit 2A; minus strand). Cytogenetic location: 16p13.2.
Variant type: single nucleotide variant.
Coding change: c.1079G>C on transcript NM_001134407.3 (MANE Select); coding-DNA position 1079, G replaced by C.
Protein change: p.Arg360Thr; replaces arginine 360 with threonine.
Molecular consequence: missense variant.
Genome position (GRCh38, 1-based): chr16:9,891,029, C>G on the plus strand (G>C on the coding strand, the complement: GRIN2A is on the minus strand). VCF-style: chr16-9891029-C-G. GRCh37 (hg19) VCF-style: chr16-9984886-C-G.
Other names: c.1079G>C, p.Arg360Thr (NM_000833.5, NM_001134408.2); short protein forms R360T.
Identifiers: ClinVar variation 1717881 (VCV001717881.6), dbSNP rs2542989767, ClinGen allele CA394797461.